The following is an entry in ClinVar:

ClinVar aggregate classification (germline): Uncertain significance (1 of 4 stars; one submission).

Submission:

Labcorp Genetics (formerly Invitae), Labcorp
Classification: Uncertain significance. Last evaluated: 2023-11-28. Review status: criteria provided, single submitter. Criteria: Invitae Variant Classification Sherloc (09022015). Collection method: clinical testing. Allele origin: germline.
Comment: This sequence change replaces arginine, which is basic and polar, with serine, which is neutral and polar, at codon 573 of the COL11A2 protein (p.Arg573Ser). This variant also falls at the last nucleotide of exon 18, which is part of the consensus splice site for this exon. This variant is not present in population databases (gnomAD no frequency). This variant has not been reported in the literature in individuals affected with COL11A2-related conditions. An algorithm developed to predict the effect of missense changes on protein structure and function (PolyPhen-2) suggests that this variant is likely to be disruptive. Variants that disrupt the consensus splice site are a relatively common cause of aberrant splicing (PMID: 17576681, 9536098). In summary, the available evidence is currently insufficient to determine the role of this variant in disease. Therefore, it has been classified as a Variant of Uncertain Significance.

Literature cited by the submitters: PubMed 17576681; PubMed 9536098.

NM_080680.3(COL11A2):c.1719G>C (p.Arg573Ser)

Gene: COL11A2 (collagen type XI alpha 2 chain; minus strand). Cytogenetic location: 6p21.32.
Variant type: single nucleotide variant.
Coding change: c.1719G>C on transcript NM_080680.3 (MANE Select); coding-DNA position 1719, G replaced by C.
Protein change: p.Arg573Ser; replaces arginine 573 with serine.
Molecular consequence: missense variant.
Genome position (GRCh38, 1-based): chr6:33,178,679, C>G on the plus strand (G>C on the coding strand, the complement: COL11A2 is on the minus strand). VCF-style: chr6-33178679-C-G. GRCh37 (hg19) VCF-style: chr6-33146456-C-G.
Other names: c.1539G>C, p.Arg513Ser (NM_001424108.1); c.873G>C, p.Arg291Ser (NM_001424109.1); c.693G>C, p.Arg231Ser (NM_001424110.1, NM_001424111.1); c.1398G>C, p.Arg466Ser (NM_080679.3); c.1461G>C, p.Arg487Ser (NM_080681.3); short protein forms R291S, R466S, R513S, R573S, R231S, R487S.
Identifiers: ClinVar variation 2796500 (VCV002796500.3), dbSNP rs2535214439, ClinGen allele CA363658399.